The following is an entry in ClinVar:

ClinVar aggregate classification (germline): Pathogenic/Likely pathogenic. Review status: criteria provided, multiple submitters, no conflicts (2 of 4 stars). 7 submissions from 7 submitters: Pathogenic (4); Likely pathogenic (2). 1 of the submissions does not count toward it. Last evaluated 2025-05-12.

Conditions:
Mucolipidosis type IV (ML4). Also called: ML IV. Identifiers: Orphanet 578, MedGen C0238286, MONDO:0009653, OMIM 252650.
Lisch epithelial corneal dystrophy (LECD). Also called: BAND-SHAPED AND WHORLED MICROCYSTIC CORNEAL EPITHELIAL DYSTROPHY. Identifiers: Orphanet 98955, MedGen C2749050, MONDO:0010425, OMIM 620763.

Allele frequency attached by ClinVar (database versions not stated): gnomAD 0.00001 and 0.00002; gnomAD exomes 0.00001 and 0.00002; ExAC 0.00002; TOPMed 0.00002.
gnomAD v4.1: 9 of 1,614,172 alleles (0.00056%); highest among the groups gnomAD compares: South Asian, 0.0044%; no homozygotes.

Submissions (7):

GeneDx
Classification: Pathogenic. Last evaluated: 2025-05-12. Review status: criteria provided, single submitter. Criteria: GeneDx Variant Classification Process June 2021. Collection method: clinical testing. Allele origin: germline. Affected: yes.
Comment: Observed with a second variant in MCOLN1 in a patient with MCOLN1-related mucolipidosis (PMID: 35425852); Canonical splice site variant predicted to result in a null allele in a gene for which loss of function is a known mechanism of disease; Not observed at significant frequency in large population cohorts (gnomAD); This variant is associated with the following publications: (PMID: 37972748, 11030752, 11317355, 35425852)

Natera, Inc.
Classification: Pathogenic for Mucolipidosis type IV. Last evaluated: 2024-09-10. Review status: criteria provided, single submitter. Criteria: Natera Variant Classification Schema (03/2026). Collection method: clinical testing. Allele origin: germline.
Comment: The c.984+1G>A variant in MCOLN1 is a canonical splice donor site variant predicted to affect pre-mRNA splicing, which may result in an abnormal transcript and altered protein product. This variant is expected to result in nonsense mediated decay, truncation, or a dysfunctional protein product. This variant is rare in the general population with a frequency below the threshold expected for the associated phenotype(s). This variant has been observed in one or more individuals affected with the associated recessive disease, as either homozygous or compound heterozygous with a second variant (PMID: 35425852). Given the available evidence, this variant is classified as Pathogenic.

Fulgent Genetics
Classification: Pathogenic for Mucolipidosis type IV; Lisch epithelial corneal dystrophy. Last evaluated: 2024-05-10. Review status: criteria provided, single submitter. Criteria: ACMG Guidelines, 2015. Collection method: clinical testing. Allele origin: germline.

Genomic Medicine Center of Excellence, King Faisal Specialist Hospital and Research Centre
Classification: Likely pathogenic for Mucolipidosis type IV. Last evaluated: 2024-03-25. Review status: criteria provided, single submitter. Criteria: ACMG Guidelines, 2015. Collection method: clinical testing. Allele origin: germline.

Labcorp Genetics (formerly Invitae), Labcorp
Classification: Likely pathogenic for Mucolipidosis type IV. Last evaluated: 2023-12-13. Review status: criteria provided, single submitter. Criteria: Invitae Variant Classification Sherloc (09022015). Collection method: clinical testing. Allele origin: germline.
Comment: This sequence change affects a donor splice site in intron 8 of the MCOLN1 gene. It is expected to disrupt RNA splicing. Variants that disrupt the donor or acceptor splice site typically lead to a loss of protein function (PMID: 16199547), and loss-of-function variants in MCOLN1 are known to be pathogenic (PMID: 11030752, 11317355, 37972748). This variant is present in population databases (rs767950930, gnomAD 0.01%). Disruption of this splice site has been observed in individual(s) with autosomal recessive mucolipidosis type IV (PMID: 35425852). ClinVar contains an entry for this variant (Variation ID: 371019). Algorithms developed to predict the effect of sequence changes on RNA splicing suggest that this variant may disrupt the consensus splice site. In summary, the currently available evidence indicates that the variant is pathogenic, but additional data are needed to prove that conclusively. Therefore, this variant has been classified as Likely Pathogenic.

Baylor Genetics
Classification: Pathogenic for Mucolipidosis type IV. Review status: criteria provided, single submitter. Criteria: ACMG Guidelines, 2015. Collection method: clinical testing. Allele origin: germline.

Counsyl
Classification: Likely pathogenic for Mucolipidosis type IV. Last evaluated: 2016-06-07. Review status: no assertion criteria provided. Collection method: clinical testing. Allele origin: unknown. Not counted in ClinVar's aggregate classification.

Literature cited by the submitters: PubMed 35425852 (cited by Natera, Inc. and Labcorp Genetics (formerly Invitae), Labcorp); PubMed 16199547 (cited by Labcorp Genetics (formerly Invitae), Labcorp); PubMed 11030752 (cited by Labcorp Genetics (formerly Invitae), Labcorp); PubMed 11317355 (cited by Labcorp Genetics (formerly Invitae), Labcorp); PubMed 37972748 (cited by Labcorp Genetics (formerly Invitae), Labcorp).

NM_020533.3(MCOLN1):c.984+1G>A

Gene: MCOLN1 (mucolipin TRP cation channel 1; plus strand). Cytogenetic location: 19p13.2.
Variant type: single nucleotide variant.
Coding change: c.984+1G>A on transcript NM_020533.3 (MANE Select); the canonical splice donor site of the intron after coding-DNA position 984, G replaced by A.
Molecular consequence: splice donor variant.
Genome position (GRCh38, 1-based): chr19:7,528,704, G>A. VCF-style: chr19-7528704-G-A. GRCh37 (hg19) VCF-style: chr19-7593590-G-A.
Identifiers: ClinVar variation 371019 (VCV000371019.19), dbSNP rs767950930, ClinGen allele CA9138972.